The following is an entry in ClinVar:

NM_001429.4(EP300):c.3749G>A (p.Cys1250Tyr)

Gene: EP300 (EP300 lysine acetyltransferase; plus strand). Cytogenetic location: 22q13.2.
Variant type: single nucleotide variant.
Coding change: c.3749G>A on transcript NM_001429.4 (MANE Select); coding-DNA position 3749, G replaced by A.
Protein change: p.Cys1250Tyr; replaces cysteine 1250 with tyrosine.
Molecular consequence: missense variant.
Genome position (GRCh38, 1-based): chr22:41,164,073, G>A. VCF-style: chr22-41164073-G-A. GRCh37 (hg19) VCF-style: chr22-41560077-G-A.
Other names: c.3671G>A, p.Cys1224Tyr (NM_001362843.2); short protein forms C1224Y, C1250Y.
Identifiers: ClinVar variation 803701 (VCV000803701.2), dbSNP rs1601629319, ClinGen allele CA411697816.

ClinVar aggregate classification (germline): Likely pathogenic. Review status: criteria provided, single submitter (1 of 4 stars). 2 submissions from 2 submitters: Likely pathogenic (1). 1 of the submissions does not count toward it. Last evaluated 2019-05-28.

Conditions:
Rubinstein-Taybi syndrome due to CREBBP mutations (RSTS1). Also called: Rubinstein-Taybi syndrome 1; RUBINSTEIN-TAYBI SYNDROME 1, INCOMPLETE; CREBBP-Related Rubinstein-Taybi Syndrome; BROAD THUMB-HALLUX SYNDROME; RUBINSTEIN SYNDROME; BROAD THUMBS AND GREAT TOES, CHARACTERISTIC FACIES, AND IMPAIRED INTELLECTUAL DEVELOPMENT. Identifiers: Orphanet 353277, Orphanet 783, MedGen C4551859, MONDO:0008393, OMIM 180849.

Submissions (2):

Mendelics
Classification: Likely pathogenic for Rubinstein-Taybi syndrome due to CREBBP mutations. Last evaluated: 2019-05-28. Review status: criteria provided, single submitter. Criteria: Mendelics Assertion Criteria 2017. Collection method: clinical testing. Allele origin: unknown.

Diagnostics Centre, Carl Von Ossietzky University Oldenburg
Classification: Uncertain significance. Last evaluated: 2025-07-21. Review status: no assertion criteria provided. Collection method: clinical testing. Allele origin: germline. Affected: yes. Observed: 1 variant allele. Not counted in ClinVar's aggregate classification.
Comment: The variant EP300:c.3749G>A p.(Cys1250Tyr), located in the exon 22 of the EP300 gene, results from a guanine-to-adenine substitution at nucleotide position c.3749. The cysteine at protein position 1250 is replaced by a tyrosine. The affected position is located in the histone acetyltransferase p300-like PHD functional domain of the protein. In silico tools predict a significant deleterious effect in the protein structure/function (REVEL = 0,85). The variant has been classified as Likely pathogenic in one entry in ClinVar, but with no further details (VCV000803701.1). The variant is classified as very rare since it is absent in gnomAD v4.1.0. In summary, the variant is classified as a variant of uncertain significance.